The following is an entry in ClinVar:

NM_017534.6(MYH2):c.1147+3A>G

Genes: MYHAS (myosin heavy chain gene cluster antisense RNA; plus strand), MYH2 (myosin heavy chain 2; minus strand). Cytogenetic location: 17p13.1.
Variant type: single nucleotide variant.
Coding change: c.1147+3A>G on transcript NM_017534.6 (MANE Select); 3 bases into the intron after coding-DNA position 1147, A replaced by G.
Molecular consequence: intron variant.
Genome position (GRCh38, 1-based): chr17:10,539,925, T>C on the plus strand (A>G on the coding strand, the complement: MYH2 is on the minus strand). VCF-style: chr17-10539925-T-C. GRCh37 (hg19) VCF-style: chr17-10443242-T-C.
Other names: c.1147+3A>G (NM_001100112.2).
Identifiers: ClinVar variation 4740896 (VCV004740896.1).

ClinVar aggregate classification (germline): Uncertain significance (1 of 4 stars; one submission).

Conditions:
Myopathy, proximal, and ophthalmoplegia (CMYO6). Also called: INCLUSION BODY MYOPATHY 3, AUTOSOMAL DOMINANT; CONGENITAL MYOPATHY 6 WITH OPHTHALMOPLEGIA; MYOPATHY WITH CONGENITAL JOINT CONTRACTURES, OPHTHALMOPLEGIA, AND RIMMED VACUOLES. Identifiers: Orphanet 363677, Orphanet 79091, MedGen C1854106, MONDO:0011577, OMIM 605637.

gnomAD v4.1: 2 of 1,613,976 alleles (0.00012%); highest among the groups gnomAD compares: Non-Finnish European, 0.00017%; no homozygotes.

Submission:

Labcorp Genetics (formerly Invitae), Labcorp
Classification: Uncertain significance for Myopathy, proximal, and ophthalmoplegia. Last evaluated: 2025-08-04. Review status: criteria provided, single submitter. Criteria: Invitae Variant Classification Sherloc (09022015). Collection method: clinical testing. Allele origin: germline.
Comment: This sequence change falls in intron 12 of the MYH2 gene. It does not directly change the encoded amino acid sequence of the MYH2 protein. It affects a nucleotide within the consensus splice site. This variant is present in population databases (no rsID available, gnomAD 0.0009%). This variant has not been reported in the literature in individuals affected with MYH2-related conditions. Variants that disrupt the consensus splice site are a relatively common cause of aberrant splicing (PMID: 17576681, 9536098). Algorithms developed to predict the effect of sequence changes on RNA splicing suggest that this variant may disrupt the consensus splice site. In summary, the available evidence is currently insufficient to determine the role of this variant in disease. Therefore, it has been classified as a Variant of Uncertain Significance.

Literature cited by the submitters: PubMed 17576681; PubMed 9536098.